The following is an entry in ClinVar:

ClinVar aggregate classification (germline): Uncertain significance. Review status: criteria provided, multiple submitters, no conflicts (2 of 4 stars). 2 submissions from 2 submitters: Uncertain significance (2). Last evaluated 2024-11-27.

Conditions:
Inborn genetic diseases. Identifiers: MedGen C0950123, MeSH D030342.

Allele frequency attached by ClinVar (database versions not stated): gnomAD exomes 0.00002 and 0.00008; ExAC 0.00011; 1000 Genomes Project 30x 0.00016; 1000 Genomes Project 0.00020; gnomAD 0.00022 and 0.00024; TOPMed 0.00028; ESP Exome Variant Server 0.00033.
gnomAD v4.1: 68 of 1,613,908 alleles (0.0042%); highest among the groups gnomAD compares: African/African-American, 0.085%; no homozygotes.

Submissions (2):

Labcorp Genetics (formerly Invitae), Labcorp
Classification: Uncertain significance. Last evaluated: 2024-11-27. Review status: criteria provided, single submitter. Criteria: Invitae Variant Classification Sherloc (09022015). Collection method: clinical testing. Allele origin: germline.
Comment: This sequence change replaces serine, which is neutral and polar, with asparagine, which is neutral and polar, at codon 2232 of the MYO18B protein (p.Ser2232Asn). This variant is present in population databases (rs377466051, gnomAD 0.1%). This variant has not been reported in the literature in individuals affected with MYO18B-related conditions. ClinVar contains an entry for this variant (Variation ID: 1497263). An algorithm developed to predict the effect of missense changes on protein structure and function (PolyPhen-2) suggests that this variant is likely to be disruptive. In summary, the available evidence is currently insufficient to determine the role of this variant in disease. Therefore, it has been classified as a Variant of Uncertain Significance.

Ambry Genetics
Classification: Uncertain significance for Inborn genetic diseases. Last evaluated: 2021-10-21. Review status: criteria provided, single submitter. Criteria: Ambry Variant Classification Scheme 2023. Collection method: clinical testing. Allele origin: germline.

NM_032608.7(MYO18B):c.6695G>A (p.Ser2232Asn)

Gene: MYO18B (myosin XVIIIB; plus strand). Cytogenetic location: 22q12.1.
Variant type: single nucleotide variant.
Coding change: c.6695G>A on transcript NM_032608.7 (MANE Select); coding-DNA position 6695, G replaced by A.
Protein change: p.Ser2232Asn; replaces serine 2232 with asparagine.
Molecular consequence: missense variant.
Genome position (GRCh38, 1-based): chr22:26,026,669, G>A. VCF-style: chr22-26026669-G-A. GRCh37 (hg19) VCF-style: chr22-26422635-G-A.
Other names: c.6698G>A, p.Ser2233Asn (NM_001318245.2); c.6695G>A (NM_032608.5); short protein forms S2232N, S2233N.
Identifiers: ClinVar variation 1497263 (VCV001497263.7), dbSNP rs377466051, ClinGen allele CA10161592.
Genomic context (GRCh38, chr22:26,026,669, plus strand): 5'-CCGTCCAGAGAAAGTCCACAGAGAGATTAGAACCTGCTTCCTCTCCCCTGGCTTCTCGGA[G>A]TACAAATACATCCCCGCTGTCGAGGGAAAAGCTGCCCAGTCCTTCAGCGGCCCTCTCGGA-3'
Protein context (NP_115997.5, residues 2222-2242): EPASSPLASR[Ser2232Asn]TNTSPLSREK